The following is an entry in ClinVar:

NM_153033.5(KCTD7):c.594C>T (p.Pro198=)

Gene: KCTD7 (potassium channel tetramerization domain containing 7; plus strand). Cytogenetic location: 7q11.21.
Variant type: single nucleotide variant.
Coding change: c.594C>T on transcript NM_153033.5 (MANE Select); coding-DNA position 594, C replaced by T.
Protein change: p.Pro198=; no amino-acid change (proline 198 retained).
Molecular consequence: synonymous variant.
Genome position (GRCh38, 1-based): chr7:66,638,956, C>T. VCF-style: chr7-66638956-C-T. GRCh37 (hg19) VCF-style: chr7-66103943-C-T.
Other names: c.594C>T, p.Pro198= (NM_001167961.2).
Identifiers: ClinVar variation 388868 (VCV000388868.6), dbSNP rs749192199, ClinGen allele CA4278296.

ClinVar aggregate classification (germline): Likely benign. Review status: criteria provided, multiple submitters, no conflicts (2 of 4 stars). 2 submissions from 2 submitters: Likely benign (2). Last evaluated 2025-10-26.

Conditions:
Progressive myoclonic epilepsy type 3. Also called: KCTD7-Related Progressive Myoclonic Epilepsy; EPILEPSY, PROGRESSIVE MYOCLONIC, 3, WITH OR WITHOUT INTRACELLULAR INCLUSIONS; CEROID LIPOFUSCINOSIS, NEURONAL, 14; EPILEPSY, PROGRESSIVE MYOCLONIC, 3, WITHOUT INTRACELLULAR INCLUSIONS. Identifiers: Orphanet 263516, MedGen C2673257, MONDO:0012721, OMIM 611726.

Allele frequency attached by ClinVar (database versions not stated): ExAC 0.00002; gnomAD 0.00002; gnomAD exomes 0.00002 and 0.00004; TOPMed 0.00006.
gnomAD v4.1: 53 of 1,614,048 alleles (0.0033%); highest among the groups gnomAD compares: Non-Finnish European, 0.0044%; no homozygotes.

Submissions (2):

Labcorp Genetics (formerly Invitae), Labcorp
Classification: Likely benign for Progressive myoclonic epilepsy type 3. Last evaluated: 2025-10-26. Review status: criteria provided, single submitter. Criteria: Invitae Variant Classification Sherloc (09022015). Collection method: clinical testing. Allele origin: germline.

GeneDx
Classification: Likely benign. Last evaluated: 2017-04-27. Review status: criteria provided, single submitter. Criteria: GeneDx Variant Classification (06012015). Collection method: clinical testing. Allele origin: germline. Affected: yes.
Comment: This variant is considered likely benign or benign based on one or more of the following criteria: it is a conservative change, it occurs at a poorly conserved position in the protein, it is predicted to be benign by multiple in silico algorithms, and/or has population frequency not consistent with disease.